The following is an entry in ClinVar:

ClinVar aggregate classification (germline): Likely pathogenic (1 of 4 stars; one submission).

Submission:

Laboratorio de Genetica e Diagnostico Molecular, Hospital Israelita Albert Einstein
Classification: Likely pathogenic. Last evaluated: 2020-09-09. Review status: criteria provided, single submitter. Criteria: ACMG Guidelines, 2015. Collection method: clinical testing. Allele origin: germline. Affected: yes.
Comment: ACMG classification criteria: PVS1, PM2

NM_001206641.3(COA6):c.274del (p.Arg92fs)

Gene: COA6 (cytochrome c oxidase assembly factor 6; plus strand). Cytogenetic location: 1q42.2.
Variant type: Deletion.
Coding change: c.274del on transcript NM_001206641.3 (MANE Select); coding-DNA position 274, one base deleted (C; older notation c.274delC).
Protein change: p.Arg92fs; shifts the reading frame from arginine 92.
Molecular consequence: frameshift variant.
Genome position (GRCh38, 1-based): chr1:234,374,291, C deleted; the last of 3 consecutive C bases (chr1:234,374,289-234,374,291); deleting any one gives the same sequence. VCF-style (leftmost placement, unchanged base first): chr1-234374288-GC-G. GRCh37 (hg19) VCF-style: chr1-234510034-GC-G.
Other names: c.182delC (NM_001012985.2); c.184del, p.Arg62fs (NM_001012985.2); c.46del, p.Arg16fs (NM_001301733.1); short protein forms R16fs, R62fs, R92fs.
Identifiers: ClinVar variation 1690932 (VCV001690932.2), dbSNP rs2103015324, ClinGen allele CA2573132792.
Genomic context (GRCh38, chr1:234,374,288, plus strand): 5'-AGCTTCATCGCAGTAGGAATGGCAGCCCCATCTATGAAGGAAAGACAGGTCTGCTGGGGG[GC>G]CCGGGATGAGTACTGGAAGTGTTTAGATGAGAACTTAGAGGATGCTTCTCAATGCAAGAA-3'